The following is an entry in ClinVar:

NM_007294.4(BRCA1):c.4741G>A (p.Glu1581Lys)

Gene: BRCA1 (BRCA1 DNA repair associated; minus strand). Cytogenetic location: 17q21.31.
Variant type: single nucleotide variant.
Coding change: c.4741G>A on transcript NM_007294.4 (MANE Select); coding-DNA position 4741, G replaced by A.
Protein change: p.Glu1581Lys; replaces glutamic acid 1581 with lysine.
Molecular consequence: missense variant. On other transcripts: intron variant (1).
Genome position (GRCh38, 1-based): chr17:43,071,173, C>T on the plus strand (G>A on the coding strand, the complement: BRCA1 is on the minus strand). VCF-style: chr17-43071173-C-T. GRCh37 (hg19) VCF-style: chr17-41223190-C-T.
Other names: c.1426G>A, p.Glu476Lys (NM_001408401.1, NM_001408402.1, NM_001408404.1 and 8 more transcripts); c.901G>A, p.Glu301Lys (NM_001408513.1); c.1429G>A, p.Glu477Lys (NM_007304.2, NM_007298.4, NM_007299.4 and 13 more transcripts); c.4804G>A, p.Glu1602Lys (NM_007300.4, NM_001407583.1, NM_001407585.1 and 1 more transcripts); c.839-7222G>A (NM_001408514.1); c.4600G>A, p.Glu1534Lys (NM_007297.4, NM_001407692.1, NM_001407694.1 and 13 more transcripts); c.1423G>A, p.Glu475Lys (NM_001408406.1, NM_001408407.1, NM_001408408.1); c.1420G>A, p.Glu474Lys (NM_001408409.1); and 71 more; short protein forms E1284K, E1492K, E1493K, E1532K, E1538K, E1553K, E1578K, E1581K.
Identifiers: ClinVar variation 2699149 (VCV002699149.3), dbSNP rs397509193, ClinGen allele CA10592029.

ClinVar aggregate classification (germline): Uncertain significance (1 of 4 stars; one submission).

Conditions:
Hereditary breast ovarian cancer syndrome. Also called: BRCA1- and BRCA2-Associated Hereditary Breast and Ovarian Cancer; Hereditary breast and ovarian cancer; Hereditary breast and ovarian cancer syndrome (HBOC); Hereditary breast and ovarian cancer syndrome; Hereditary breast and/or ovarian cancer syndrome; Breast and ovarian cancer. Identifiers: Orphanet 145, MedGen C0677776, MeSH D061325, MONDO:0003582. Disease mechanism: loss of function.

gnomAD v4.1: 1 of 1,614,206 alleles (0.000062%); highest among the groups gnomAD compares: East Asian, 0.0022%; no homozygotes.

Submission:

Labcorp Genetics (formerly Invitae), Labcorp
Classification: Uncertain significance for Hereditary breast ovarian cancer syndrome. Last evaluated: 2023-11-27. Review status: criteria provided, single submitter. Criteria: Invitae Variant Classification Sherloc (09022015). Collection method: clinical testing. Allele origin: germline.
Comment: This sequence change replaces glutamic acid, which is acidic and polar, with lysine, which is basic and polar, at codon 1581 of the BRCA1 protein (p.Glu1581Lys). This variant is not present in population databases (gnomAD no frequency). This variant has not been reported in the literature in individuals affected with BRCA1-related conditions. Advanced modeling of protein sequence and biophysical properties (such as structural, functional, and spatial information, amino acid conservation, physicochemical variation, residue mobility, and thermodynamic stability) performed at Invitae indicates that this missense variant is not expected to disrupt BRCA1 protein function with a negative predictive value of 95%. In summary, the available evidence is currently insufficient to determine the role of this variant in disease. Therefore, it has been classified as a Variant of Uncertain Significance.